The following is an entry in ClinVar:

NM_007294.4(BRCA1):c.2105dup (p.Leu702fs)

Gene: BRCA1 (BRCA1 DNA repair associated; minus strand). Cytogenetic location: 17q21.31.
Variant type: Duplication.
Coding change: c.2105dup on transcript NM_007294.4 (MANE Select); coding-DNA position 2105, one base duplicated (T; older notation c.2105dupT).
Protein change: p.Leu702fs; shifts the reading frame from leucine 702.
Molecular consequence: frameshift variant. On other transcripts: intron variant (137).
Genome position (GRCh38, 1-based): chr17:43,093,426, A duplicated on the plus strand (T on the coding strand, the reverse complement: BRCA1 is on the minus strand); the first of 2 consecutive A bases (chr17:43,093,426-43,093,427); duplicating either gives the same sequence. VCF-style (leftmost placement, unchanged base first): chr17-43093425-T-TA. GRCh37 (hg19) VCF-style: chr17-41245442-T-TA.
Other names: 2224insT; c.2105dupT (NM_007294.3); c.1892dup, p.Leu631fs (NM_001407571.1, NM_001407853.1, NM_001407894.1 and 9 more transcripts); c.2105dup, p.Leu702fs (NM_001407581.1, NM_001407582.1, NM_001407583.1 and 30 more transcripts); c.2102dup, p.Leu701fs (NM_001407587.1, NM_001407590.1, NM_001407591.1 and 22 more transcripts); c.2096dup, p.Leu699fs (NM_001407646.1, NM_001407647.1); c.1982dup, p.Leu661fs (NM_001407648.1, NM_001407664.1, NM_001407665.1 and 19 more transcripts); c.1979dup, p.Leu660fs (NM_001407649.1, NM_001407670.1, NM_001407671.1 and 11 more transcripts); and 43 more; short protein forms L702fs, L655fs, L574fs, L613fs, L614fs, L632fs, L654fs, L661fs.
Identifiers: ClinVar variation 37445 (VCV000037445.28), dbSNP rs80357880, ClinGen allele CA001393.
Genomic context (GRCh38, chr17:43,093,425, plus strand): 5'-GACAAATTCTTTAAGTTCACTGGTATTTGAACACTTAGTAAAAGAACCAGGTGCATTTGT[T>TA]AACTTCAGCTCTGGGAAAGTATCGCTGTCATGTCTTTTACTTGTCTGTTCATTTGGCTTG-3'

ClinVar aggregate classification (germline): Pathogenic. Review status: reviewed by expert panel (3 of 4 stars). 13 submissions from 13 submitters: Pathogenic (1). 12 of the submissions do not count toward it. Last evaluated 2016-09-08.

Conditions:
Hereditary cancer-predisposing syndrome. Also called: Tumor predisposition; Neoplastic Syndromes, Hereditary; Hereditary Cancer Syndrome; Hereditary neoplastic syndrome. Identifiers: Orphanet 140162, MedGen C0027672, MeSH D009386, MONDO:0015356.
Hereditary breast ovarian cancer syndrome. Also called: Hereditary breast and ovarian cancer syndrome (HBOC); Hereditary breast and ovarian cancer syndrome; Hereditary breast and ovarian cancer; Hereditary breast and/or ovarian cancer syndrome; Breast and ovarian cancer; BRCA1- and BRCA2-Associated Hereditary Breast and Ovarian Cancer. Identifiers: Orphanet 145, MedGen C0677776, MeSH D061325, MONDO:0003582. Disease mechanism: loss of function.
Breast-ovarian cancer, familial, susceptibility to, 1 (BROVCA1). Also called: OVARIAN CANCER, SUSCEPTIBILITY TO; BRCA1 Hereditary Breast and Ovarian Cancer. Identifiers: Orphanet 145, MedGen C2676676, MONDO:0011450, OMIM 604370. Disease mechanism: loss of function.

Submissions (13):

Evidence-based Network for the Interpretation of Germline Mutant Alleles (ENIGMA)
Classification: Pathogenic for Breast-ovarian cancer, familial, susceptibility to, 1. Last evaluated: 2016-09-08. Review status: reviewed by expert panel. Criteria: ENIGMA BRCA1/2 Classification Criteria (2015). Collection method: curation. Allele origin: germline.
Comment: Variant allele predicted to encode a truncated non-functional protein.

St. Jude Molecular Pathology, St. Jude Children's Research Hospital
Classification: Pathogenic for Breast-ovarian cancer, familial, susceptibility to, 1. Last evaluated: 2026-02-20. Review status: criteria provided, single submitter. Criteria: St. Jude Assertion Criteria 2020. Collection method: clinical testing. Allele origin: germline. Not counted in ClinVar's aggregate classification.
Comment: the BRCA1 gene are associated with hereditary breast and ovarian cancer (HBOC), an autosomal dominant disorder that increases the risk for breast and ovarian cancer (OMIM ID: 604370). Pathogenic variants affectin g both copies of the BRCA1 gene are associated with Fanconi anemia, a rare autosomal recessive disorder that is characterized by developmental abnormalities, bone marrow failure, and predisposition to cancer (OMIM ID: 617883). The BRCA1 c.2105dup p.(Leu7 02PhefsTer10) change duplicates one nucleotide to cause a frameshift and the creation of a premature stop codon. This change is predicted to cause protein truncation or absence of protein due to nonsense-mediated decay. This variant has been reported in individuals with HBOC-related cancers (PMID: 37664050). This variant is absent in gnomAD v2.1.1. In summary, this variant meets criteria to be classified as pathogenic.

Labcorp Genetics (formerly Invitae), Labcorp
Classification: Pathogenic for Hereditary breast ovarian cancer syndrome. Last evaluated: 2025-10-13. Review status: criteria provided, single submitter. Criteria: Invitae Variant Classification Sherloc (09022015). Collection method: clinical testing. Allele origin: germline. Not counted in ClinVar's aggregate classification.
Comment: This sequence change creates a premature translational stop signal (p.Leu702Phefs*10) in the BRCA1 gene. It is expected to result in an absent or disrupted protein product. Loss-of-function variants in BRCA1 are known to be pathogenic (PMID: 20104584). This variant is not present in population databases (gnomAD no frequency). This variant has not been reported in the literature in individuals affected with BRCA1-related conditions. ClinVar contains an entry for this variant (Variation ID: 37445). For these reasons, this variant has been classified as Pathogenic.

Ambry Genetics
Classification: Pathogenic for Hereditary cancer-predisposing syndrome. Last evaluated: 2025-07-24. Review status: criteria provided, single submitter. Criteria: Ambry Variant Classification Scheme 2023. Collection method: clinical testing. Allele origin: germline. Not counted in ClinVar's aggregate classification.
Comment: The c.2105dupT pathogenic mutation, located in coding exon 9 of the BRCA1 gene, results from a duplication of T at nucleotide position 2105, causing a translational frameshift with a predicted alternate stop codon (p.L702Ffs*10). This alteration was identified in a large, worldwide study of BRCA1/2 mutation positive families (Rebbeck TR et al. Hum Mutat, 2018 05;39:593-620). This variant is considered to be rare based on population cohorts in the Genome Aggregation Database (gnomAD). This alteration is expected to result in loss of function by premature protein truncation or nonsense-mediated mRNA decay. As such, this alteration is interpreted as a disease-causing mutation.

Quest Diagnostics Nichols Institute San Juan Capistrano
Classification: Pathogenic. Last evaluated: 2023-05-17. Review status: criteria provided, single submitter. Criteria: Quest Diagnostics criteria. Collection method: clinical testing. Allele origin: unknown. Not counted in ClinVar's aggregate classification.
Comment: The BRCA1 c.2105dup (p.Leu702Phefs*10) variant alters the translational reading frame of the BRCA1 mRNA and causes the premature termination of BRCA1 protein synthesis. This variant has been reported in the published literature in a worldwide study of families with BRCA1 and BRCA2 mutations (PMID: 29446198 (2018)). This variant has not been reported in large, multi-ethnic general populations (Genome Aggregation Database). Based on the available information, this variant is classified as pathogenic.

Color Diagnostics, LLC DBA Color Health
Classification: Pathogenic for Hereditary cancer-predisposing syndrome. Last evaluated: 2020-07-22. Review status: criteria provided, single submitter. Criteria: ACMG Guidelines, 2015. Collection method: clinical testing. Allele origin: germline. Not counted in ClinVar's aggregate classification.
Comment: This variant inserts 1 nucleotide in exon 10 of the BRCA1 gene, creating a frameshift and premature translation stop signal. This variant is expected to result in an absent or non-functional protein product. To our knowledge, this variant has not been reported in individuals affected with hereditary cancer in the literature. This variant has not been identified in the general population by the Genome Aggregation Database (gnomAD). Loss of BRCA1 function is a known mechanism of disease. Based on the available evidence, this variant is classified as Pathogenic.

Women's Health and Genetics/Laboratory Corporation of America, LabCorp
Classification: Pathogenic for Hereditary breast and ovarian cancer syndrome. Last evaluated: 2020-07-13. Review status: criteria provided, single submitter. Criteria: LabCorp Variant Classification Summary - May 2015. Collection method: clinical testing. Allele origin: germline. Not counted in ClinVar's aggregate classification.
Comment: Variant summary: BRCA1 c.2105dupT (p.Leu702PhefsX10) results in a premature termination codon, predicted to cause a truncation of the encoded protein or absence of the protein due to nonsense mediated decay, which are commonly known mechanisms for disease. Truncations downstream of this position have been classified as pathogenic by our laboratory. The variant was absent in 251182 control chromosomes. c.2105dupT has been reported in the literature in individuals affected with Hereditary Breast And Ovarian Cancer Syndrome (example, Rebbeck_2018). These data indicate that the variant is likely to be associated with disease. To our knowledge, no experimental evidence demonstrating an impact on protein function has been reported. Six clinical diagnostic laboratories and one expert panel (ENIGMA) have submitted clinical-significance assessments for this variant to ClinVar after 2014 without evidence for independent evaluation. All submitters classified the variant as pathogenic. Based on the evidence outlined above, the variant was classified as pathogenic.

Revvity Omics, Revvity
Classification: Pathogenic. Last evaluated: 2019-10-01. Review status: criteria provided, single submitter. Criteria: ACMG Guidelines, 2015. Collection method: clinical testing. Allele origin: germline. Not counted in ClinVar's aggregate classification.

Consortium of Investigators of Modifiers of BRCA1/2 (CIMBA), c/o University of Cambridge
Classification: Pathogenic for Breast-ovarian cancer, familial, susceptibility to, 1. Last evaluated: 2015-10-02. Review status: criteria provided, single submitter. Criteria: CIMBA Mutation Classification guidelines May 2016. Collection method: clinical testing. Allele origin: germline. Not counted in ClinVar's aggregate classification.

Fulgent Genetics
Classification: Pathogenic for Breast-ovarian cancer, familial, susceptibility to, 1. Last evaluated: 2015-08-07. Review status: criteria provided, single submitter. Criteria: ACMG Guidelines, 2015. Collection method: clinical testing. Allele origin: unknown. Inheritance: Autosomal dominant inheritance. Not counted in ClinVar's aggregate classification.

Research Molecular Genetics Laboratory, Women's College Hospital, University of Toronto
Classification: Pathogenic for Hereditary breast ovarian cancer syndrome. Last evaluated: 2014-01-31. Review status: no assertion criteria provided. Collection method: research. Allele origin: germline. Affected: yes. Study: The Canadian Open Genetics Repository (COGR). Not counted in ClinVar's aggregate classification.

Sharing Clinical Reports Project (SCRP)
Classification: Pathogenic for Breast-ovarian cancer, familial 1. Last evaluated: 2012-12-17. Review status: no assertion criteria provided. Collection method: clinical testing. Allele origin: germline. Not counted in ClinVar's aggregate classification.

Breast Cancer Information Core (BIC) (BRCA1)
Classification: Pathogenic for Breast-ovarian cancer, familial 1. Last evaluated: 2004-11-25. Review status: no assertion criteria provided. Collection method: clinical testing. Allele origin: germline. Affected: yes. Observed: 2 variant alleles. Not counted in ClinVar's aggregate classification.

Literature cited by the submitters: PubMed 20104584 (cited by Labcorp Genetics (formerly Invitae), Labcorp); PubMed 29446198 (cited by 3 submitters); PubMed 30306255 (cited by Quest Diagnostics Nichols Institute San Juan Capistrano).